The following is an entry in ClinVar:

NM_000498.3(CYP11B2):c.984del (p.Phe328fs)

Genes: CYP11B2 (cytochrome P450 family 11 subfamily B member 2; minus strand), LOC106799834 (CYP11B2 recombination region; plus strand). Cytogenetic location: 8q24.3.
Variant type: Deletion.
Coding change: c.984del on transcript NM_000498.3 (MANE Select); coding-DNA position 984, one base deleted (T; older notation c.984delT).
Protein change: p.Phe328fs; shifts the reading frame from phenylalanine 328.
Molecular consequence: frameshift variant.
Genome position (GRCh38, 1-based): chr8:142,913,422, A deleted on the plus strand (T on the coding strand, the reverse complement: CYP11B2 is on the minus strand); the first of 3 consecutive A bases (chr8:142,913,422-142,913,424); deleting any one gives the same sequence. VCF-style (leftmost placement, unchanged base first): chr8-142913421-CA-C. GRCh37 (hg19) VCF-style: chr8-143994837-CA-C.
Other names: short protein forms F328fs.
Identifiers: ClinVar variation 2769697 (VCV002769697.3), dbSNP rs2488699139, ClinGen allele CA2697550178.
Genomic context (GRCh38, chr8:142,913,421, plus strand): 5'-CTGCGGCGGCCAGGCTCTCCTGGCGCAGGATCTGCTGCACGTCGGGGTTCCGAGCCAGCT[CA>C]AAGAGCGTCATCAGCAAGGGAAACGCTGTCTACAGAAGCCATGTCTGCAGGGTCAGACCT-3'

ClinVar aggregate classification (germline): Pathogenic (1 of 4 stars; one submission).

Submission:

Labcorp Genetics (formerly Invitae), Labcorp
Classification: Pathogenic. Last evaluated: 2023-10-18. Review status: criteria provided, single submitter. Criteria: Invitae Variant Classification Sherloc (09022015). Collection method: clinical testing. Allele origin: germline.
Comment: This sequence change creates a premature translational stop signal (p.Phe328Leufs*59) in the CYP11B2 gene. It is expected to result in an absent or disrupted protein product. Loss-of-function variants in CYP11B2 are known to be pathogenic (PMID: 20494601, 22801770, 26936515). This variant is not present in population databases (gnomAD no frequency). This variant has not been reported in the literature in individuals affected with CYP11B2-related conditions. For these reasons, this variant has been classified as Pathogenic.

Literature cited by the submitters: PubMed 20494601; PubMed 22801770; PubMed 26936515.